The following is an entry in ClinVar:

NM_000211.5(ITGB2):c.526G>A (p.Val176Met)

Gene: ITGB2 (integrin subunit beta 2; minus strand). Cytogenetic location: 21q22.3.
Variant type: single nucleotide variant.
Coding change: c.526G>A on transcript NM_000211.5 (MANE Select); coding-DNA position 526, G replaced by A.
Protein change: p.Val176Met; replaces valine 176 with methionine.
Molecular consequence: missense variant.
Genome position (GRCh38, 1-based): chr21:44,901,707, C>T on the plus strand (G>A on the coding strand, the complement: ITGB2 is on the minus strand). VCF-style: chr21-44901707-C-T. GRCh37 (hg19) VCF-style: chr21-46321622-C-T.
Other names: c.526G>A, p.Val176Met (NM_001127491.3); c.319G>A, p.Val107Met (NM_001303238.2); short protein forms V176M, V107M.
Identifiers: ClinVar variation 4696166 (VCV004696166.1).

ClinVar aggregate classification (germline): Uncertain significance (1 of 4 stars; one submission).

Conditions:
Leukocyte adhesion deficiency 1 (LAD1). Also called: LEUKOCYTE ADHESION DEFICIENCY, TYPE I; LAD 1; Lymphocyte function-associated antigen 1 immunodeficiency; LFA 1 immunodeficiency. Identifiers: Orphanet 2968, Orphanet 99842, MedGen C0398738, MONDO:0007293, OMIM 116920.

gnomAD v4.1: 19 of 1,612,044 alleles (0.0012%); highest among the groups gnomAD compares: African/African-American, 0.0027%; no homozygotes.

Submission:

Labcorp Genetics (formerly Invitae), Labcorp
Classification: Uncertain significance for Leukocyte adhesion deficiency 1. Last evaluated: 2025-07-15. Review status: criteria provided, single submitter. Criteria: Invitae Variant Classification Sherloc (09022015). Collection method: clinical testing. Allele origin: germline.
Comment: This sequence change replaces valine, which is neutral and non-polar, with methionine, which is neutral and non-polar, at codon 176 of the ITGB2 protein (p.Val176Met). The frequency data for this variant in the population databases is considered unreliable, as metrics indicate poor data quality at this position in the gnomAD database. This variant has not been reported in the literature in individuals affected with ITGB2-related conditions. Invitae Evidence Modeling of protein sequence and biophysical properties (such as structural, functional, and spatial information, amino acid conservation, physicochemical variation, residue mobility, and thermodynamic stability) has been performed for this missense variant. However, the output from this modeling did not meet the statistical confidence thresholds required to predict the impact of this variant on ITGB2 protein function. In summary, the available evidence is currently insufficient to determine the role of this variant in disease. Therefore, it has been classified as a Variant of Uncertain Significance.